The following is an entry in ClinVar:

NM_001197104.2(KMT2A):c.889G>T (p.Val297Leu)

Gene: KMT2A (lysine methyltransferase 2A; plus strand). Cytogenetic location: 11q23.3.
Variant type: single nucleotide variant.
Coding change: c.889G>T on transcript NM_001197104.2 (MANE Select); coding-DNA position 889, G replaced by T.
Protein change: p.Val297Leu; replaces valine 297 with leucine.
Molecular consequence: missense variant.
Genome position (GRCh38, 1-based): chr11:118,472,048, G>T. VCF-style: chr11-118472048-G-T. GRCh37 (hg19) VCF-style: chr11-118342763-G-T.
Other names: c.988G>T, p.Val330Leu (NM_001412597.1); c.889G>T, p.Val297Leu (NM_005933.4); short protein forms V297L, V330L.
Identifiers: ClinVar variation 1941007 (VCV001941007.5), dbSNP rs1490857925, ClinGen allele CA382808334.
Genomic context (GRCh38, chr11:118,472,048, plus strand): 5'-AAACTCTCTCCTCTCAAGTCTAAGTTTAAGACAGGGAAGCTTCAAATAGGAAGGAAGGGG[G>T]TACAAATTGTACGACGGAGAGGAAGGCCTCCATCAACAGAAAGGATAAAGACCCCTTCGG-3'
Protein context (NP_001184033.1, residues 287-307): TGKLQIGRKG[Val297Leu]QIVRRRGRPP

ClinVar aggregate classification (germline): Uncertain significance (1 of 4 stars; one submission).

Allele frequency attached by ClinVar (database versions not stated): gnomAD exomes below 0.00001.
gnomAD v4.1: 2 of 1,613,486 alleles (0.00012%); highest among the groups gnomAD compares: Admixed American, 0.0017%; no homozygotes.

Submission:

Labcorp Genetics (formerly Invitae), Labcorp
Classification: Uncertain significance. Last evaluated: 2022-09-17. Review status: criteria provided, single submitter. Criteria: Invitae Variant Classification Sherloc (09022015). Collection method: clinical testing. Allele origin: germline.
Comment: In summary, the available evidence is currently insufficient to determine the role of this variant in disease. Therefore, it has been classified as a Variant of Uncertain Significance. Advanced modeling of protein sequence and biophysical properties (such as structural, functional, and spatial information, amino acid conservation, physicochemical variation, residue mobility, and thermodynamic stability) has been performed at Invitae for this missense variant, however the output from this modeling did not meet the statistical confidence thresholds required to predict the impact of this variant on KMT2A protein function. This variant has not been reported in the literature in individuals affected with KMT2A-related conditions. This variant is not present in population databases (gnomAD no frequency). This sequence change replaces valine, which is neutral and non-polar, with leucine, which is neutral and non-polar, at codon 297 of the KMT2A protein (p.Val297Leu).